The following is an entry in ClinVar:

ClinVar aggregate classification (germline): Uncertain significance (1 of 4 stars; one submission).

Submission:

Greenwood Genetic Center Diagnostic Laboratories, Greenwood Genetic Center
Classification: Uncertain significance. Last evaluated: 2022-12-14. Review status: criteria provided, single submitter. Criteria: ACMG Guidelines, 2015. Collection method: clinical testing. Allele origin: germline. Affected: yes.
Comment: PM2

NM_006015.6(ARID1A):c.4289A>G (p.Gln1430Arg)

Gene: ARID1A (AT-rich interaction domain 1A; plus strand). Cytogenetic location: 1p36.11.
Variant type: single nucleotide variant.
Coding change: c.4289A>G on transcript NM_006015.6 (MANE Select); coding-DNA position 4289, A replaced by G.
Protein change: p.Gln1430Arg; replaces glutamine 1430 with arginine.
Molecular consequence: missense variant. On other transcripts: intron variant (1).
Genome position (GRCh38, 1-based): chr1:26,774,516, A>G. VCF-style: chr1-26774516-A-G. GRCh37 (hg19) VCF-style: chr1-27101007-A-G.
Other names: c.4102-464A>G (NM_139135.4); short protein forms Q1430R.
Identifiers: ClinVar variation 2429030 (VCV002429030.4), dbSNP rs2124118303, ClinGen allele CA339174215.